The following is an entry in ClinVar:

NM_000017.4(ACADS):c.1232G>A (p.Arg411Gln)

Gene: ACADS (acyl-CoA dehydrogenase short chain; plus strand). Cytogenetic location: 12q24.31.
Variant type: single nucleotide variant.
Coding change: c.1232G>A on transcript NM_000017.4 (MANE Select); coding-DNA position 1232, G replaced by A.
Protein change: p.Arg411Gln; replaces arginine 411 with glutamine.
Molecular consequence: missense variant.
Genome position (GRCh38, 1-based): chr12:120,739,441, G>A. VCF-style: chr12-120739441-G-A. GRCh37 (hg19) VCF-style: chr12-121177244-G-A.
Other names: c.1220G>A, p.Arg407Gln (NM_001302554.2); short protein forms R407Q, R411Q.
Identifiers: ClinVar variation 4799054 (VCV004799054.1).

ClinVar aggregate classification (germline): Uncertain significance (1 of 4 stars; one submission).

Conditions:
Deficiency of butyryl-CoA dehydrogenase (ACADSD). Also called: SCAD DEFICIENCY, MILD; ACYL-CoA DEHYDROGENASE, SHORT-CHAIN, DEFICIENCY OF; SCAD Deficiency; SCADH DEFICIENCY; ACADS DEFICIENCY; Short-Chain Acyl-CoA Dehydrogenase Deficiency. Identifiers: Orphanet 26792, MedGen C0342783, MONDO:0008722, OMIM 201470. Disease mechanism: May be benign.

gnomAD v4.1: 36 of 1,609,410 alleles (0.0022%); highest among the groups gnomAD compares: Admixed American, 0.01%; no homozygotes.

Submission:

Labcorp Genetics (formerly Invitae), Labcorp
Classification: Uncertain significance for Deficiency of butyryl-CoA dehydrogenase. Last evaluated: 2025-11-02. Review status: criteria provided, single submitter. Criteria: Invitae Variant Classification Sherloc (09022015). Collection method: clinical testing. Allele origin: germline.
Comment: This sequence change replaces arginine, which is basic and polar, with glutamine, which is neutral and polar, at codon 411 of the ACADS protein (p.Arg411Gln). This variant is present in population databases (rs771419406, gnomAD 0.02%). This variant has not been reported in the literature in individuals affected with ACADS-related conditions. Invitae Evidence Modeling of protein sequence and biophysical properties (such as structural, functional, and spatial information, amino acid conservation, physicochemical variation, residue mobility, and thermodynamic stability) indicates that this missense variant is expected to disrupt ACADS protein function with a positive predictive value of 95%. In summary, the available evidence is currently insufficient to determine the role of this variant in disease. Therefore, it has been classified as a Variant of Uncertain Significance.